The following is an entry in ClinVar:

ClinVar aggregate classification (germline): Uncertain significance (1 of 4 stars; one submission).

Conditions:
Multiple endocrine neoplasia, type 2 (MEN2). Identifiers: Orphanet 653, MedGen C4048306, MONDO:0019003. Disease mechanism: gain of function.

Submission:

Labcorp Genetics (formerly Invitae), Labcorp
Classification: Uncertain significance for Multiple endocrine neoplasia, type 2. Last evaluated: 2025-03-26. Review status: criteria provided, single submitter. Criteria: Invitae Variant Classification Sherloc (09022015). Collection method: clinical testing. Allele origin: germline.
Comment: This sequence change replaces phenylalanine, which is neutral and non-polar, with leucine, which is neutral and non-polar, at codon 272 of the RET protein (p.Phe272Leu). This variant is not present in population databases (gnomAD no frequency). This variant has not been reported in the literature in individuals affected with RET-related conditions. An algorithm developed to predict the effect of missense changes on protein structure and function (PolyPhen-2) suggests that this variant is likely to be tolerated. In summary, the available evidence is currently insufficient to determine the role of this variant in disease. Therefore, it has been classified as a Variant of Uncertain Significance.

NM_020975.6(RET):c.816C>A (p.Phe272Leu)

Gene: RET (ret proto-oncogene; plus strand). Cytogenetic location: 10q11.21.
Variant type: single nucleotide variant.
Coding change: c.816C>A on transcript NM_020975.6 (MANE Select); coding-DNA position 816, C replaced by A.
Protein change: p.Phe272Leu; replaces phenylalanine 272 with leucine.
Molecular consequence: missense variant. On other transcripts: intron variant (22).
Genome position (GRCh38, 1-based): chr10:43,105,142, C>A. VCF-style: chr10-43105142-C-A. GRCh37 (hg19) VCF-style: chr10-43600590-C-A.
Other names: c.54C>A, p.Phe18Leu (NM_001355216.2); c.816C>A, p.Phe272Leu (NM_001406743.1, NM_001406744.1, NM_001406759.1 and 6 more transcripts); c.687C>A, p.Phe229Leu (NM_001406761.1, NM_001406762.1, NM_001406764.1 and 2 more transcripts); c.528C>A, p.Phe176Leu (NM_001406766.1, NM_001406767.1, NM_001406770.1); c.625+2513C>A (NM_001406773.1, NM_001406771.1, NM_001406782.1 and 5 more transcripts); c.496+2513C>A (NM_001406786.1, NM_001406783.1); c.338-3889C>A (NM_001406778.1, NM_001406775.1, NM_001406776.1 and 1 more transcripts); c.337+4420C>A (NM_001406790.1, NM_001406788.1, NM_001406789.1 and 1 more transcripts); and 2 more; short protein forms F176L, F18L, F229L, F272L.
Identifiers: ClinVar variation 4798868 (VCV004798868.1).